The following is an entry in ClinVar:

NM_001370259.2(MEN1):c.854A>C (p.Asp285Ala)

Gene: MEN1 (menin 1; minus strand). Cytogenetic location: 11q13.1.
Variant type: single nucleotide variant.
Coding change: c.854A>C on transcript NM_001370259.2 (MANE Select); coding-DNA position 854, A replaced by C.
Protein change: p.Asp285Ala; replaces aspartic acid 285 with alanine.
Molecular consequence: missense variant.
Genome position (GRCh38, 1-based): chr11:64,807,069, T>G on the plus strand (A>C on the coding strand, the complement: MEN1 is on the minus strand). VCF-style: chr11-64807069-T-G. GRCh37 (hg19) VCF-style: chr11-64574541-T-G.
Other names: c.869A>C, p.Asp290Ala (NM_000244.4, NM_130800.3, NM_130801.3 and 3 more transcripts); c.854A>C, p.Asp285Ala (NM_001370251.2, NM_001370260.2, NM_001370261.2 and 1 more transcripts); c.749A>C, p.Asp250Ala (NM_001370262.2, NM_001370263.2); short protein forms D285A, D290A, D250A.
Identifiers: ClinVar variation 1473385 (VCV001473385.8), dbSNP rs2136129327, ClinGen allele CA381183637.

ClinVar aggregate classification (germline): Uncertain significance (1 of 4 stars; one submission).

Conditions:
Multiple endocrine neoplasia, type 1 (MEN1). Also called: MEN I; WERMER SYNDROME; Endocrine adenomatosis multiple; MEN 1; MEA I. Identifiers: Orphanet 652, MedGen C0025267, MeSH D018761, MONDO:0007540, OMIM 131100.

Submission:

Labcorp Genetics (formerly Invitae), Labcorp
Classification: Uncertain significance for Multiple endocrine neoplasia, type 1. Last evaluated: 2021-03-31. Review status: criteria provided, single submitter. Criteria: Invitae Variant Classification Sherloc (09022015). Collection method: clinical testing. Allele origin: germline.
Comment: In summary, the available evidence is currently insufficient to determine the role of this variant in disease. Therefore, it has been classified as a Variant of Uncertain Significance. Advanced modeling of protein sequence and biophysical properties (such as structural, functional, and spatial information, amino acid conservation, physicochemical variation, residue mobility, and thermodynamic stability) performed at Invitae indicates that this missense variant is expected to disrupt MEN1 protein function. This variant has not been reported in the literature in individuals with MEN1-related conditions. This variant is not present in population databases (ExAC no frequency). This sequence change replaces aspartic acid with alanine at codon 285 of the MEN1 protein (p.Asp285Ala). The aspartic acid residue is highly conserved and there is a moderate physicochemical difference between aspartic acid and alanine.